The following is an entry in ClinVar:

ClinVar aggregate classification (germline): Uncertain significance (1 of 4 stars; one submission).

Submission:

Ambry Genetics
Classification: Uncertain significance. Last evaluated: 2024-12-19. Review status: criteria provided, single submitter. Criteria: Ambry Variant Classification Scheme 2023. Collection method: clinical testing. Allele origin: germline.
Comment: The p.P530S variant (also known as c.1588C>T), located in coding exon 8 of the RNF43 gene, results from a C to T substitution at nucleotide position 1588. The proline at codon 530 is replaced by serine, an amino acid with similar properties. This amino acid position is conserved. In addition, this alteration is predicted to be tolerated by in silico analysis. Based on the available evidence, the clinical significance of this variant remains unclear.

NM_017763.6(RNF43):c.1588C>T (p.Pro530Ser)

Gene: RNF43 (ring finger protein 43; minus strand). Cytogenetic location: 17q22.
Variant type: single nucleotide variant.
Coding change: c.1588C>T on transcript NM_017763.6 (MANE Select); coding-DNA position 1588, C replaced by T.
Protein change: p.Pro530Ser; replaces proline 530 with serine.
Molecular consequence: missense variant.
Genome position (GRCh38, 1-based): chr17:58,358,188, G>A on the plus strand (C>T on the coding strand, the complement: RNF43 is on the minus strand). VCF-style: chr17-58358188-G-A. GRCh37 (hg19) VCF-style: chr17-56435549-G-A.
Other names: c.1588C>T, p.Pro530Ser (NM_001305544.3); c.1207C>T, p.Pro403Ser (NM_001305545.2); short protein forms P403S, P530S.
Identifiers: ClinVar variation 3789855 (VCV003789855.1).